The following is an entry in ClinVar:

NM_001358530.2(MOCS1):c.*1928C>G

Genes: DAAM2 (dishevelled associated activator of morphogenesis 2; plus strand), MOCS1 (molybdenum cofactor synthesis 1; minus strand). Cytogenetic location: 6p21.2.
Variant type: single nucleotide variant.
Coding change: c.*1928C>G on transcript NM_001358530.2 (MANE Select); 1928 bases downstream of the stop codon, C replaced by G.
Molecular consequence: 3 prime UTR variant. On other transcripts: non-coding transcript variant (1).
Genome position (GRCh38, 1-based): chr6:39,904,429, G>C on the plus strand (C>G on the coding strand, the complement: MOCS1 is on the minus strand). VCF-style: chr6-39904429-G-C. GRCh37 (hg19) VCF-style: chr6-39872205-G-C.
Other names: c.*2392G>C (NM_001201427.2, NM_015345.4); c.*2696C>G (NM_001075098.4, NM_001358533.2, NM_001358534.2 and 1 more transcripts); c.*1928C>G (NM_001358529.2, NM_001358531.2).
Identifiers: ClinVar variation 356588 (VCV000356588.5), dbSNP rs73414848, ClinGen allele CA3795608.

ClinVar aggregate classification (germline): Benign (1 of 4 stars; one submission).

Conditions:
Sulfite oxidase deficiency due to molybdenum cofactor deficiency type A. Also called: Molybdenum Cofactor Deficiency A; Molybdenum cofactor deficiency, complementation group A. Identifiers: Orphanet 308386, Orphanet 833, MedGen C1854988, MONDO:0009643, OMIM 252150.

Allele frequency attached by ClinVar (database versions not stated): gnomAD exomes 0.00433 and 0.00746; ExAC 0.00553; 1000 Genomes Project 0.02855; 1000 Genomes Project 30x 0.02951; gnomAD 0.03051 and 0.03274; TOPMed 0.03508.
gnomAD v4.1: 5,963 of 454,958 alleles (1.3%); highest among the groups gnomAD compares: African/African-American, 10%; 280 homozygotes.

Submission:

Illumina Laboratory Services, Illumina
Classification: Benign for Sulfite oxidase deficiency due to molybdenum cofactor deficiency type A. Last evaluated: 2018-01-12. Review status: criteria provided, single submitter. Criteria: ICSL Variant Classification Criteria 13 December 2019. Collection method: clinical testing. Allele origin: germline.
Comment: This variant was observed in the ICSL laboratory as part of a predisposition screen in an ostensibly healthy population. It had not been previously curated by ICSL or reported in the Human Gene Mutation Database (HGMD: prior to June 1st, 2018), and was therefore a candidate for classification through an automated scoring system. Utilizing variant allele frequency, disease prevalence and penetrance estimates, and inheritance mode, an automated score was calculated to assess if this variant is too frequent to cause the disease. Based on the score and internal cut-off values, a variant classified as benign is not then subjected to further curation. The score for this variant resulted in a classification of benign for this disease.